The following is an entry in ClinVar:

ClinVar aggregate classification (germline): Uncertain significance (1 of 4 stars; one submission).

Allele frequency attached by ClinVar (database versions not stated): gnomAD exomes below 0.00001.

Submission:

GeneDx
Classification: Uncertain significance. Last evaluated: 2022-07-11. Review status: criteria provided, single submitter. Criteria: GeneDx Variant Classification Process June 2021. Collection method: clinical testing. Allele origin: germline. Affected: yes.
Comment: Not observed at significant frequency in large population cohorts (gnomAD); In silico analysis supports that this missense variant does not alter protein structure/function; Has not been previously published as pathogenic or benign to our knowledge

NM_001080517.3(SETD5):c.883G>A (p.Asp295Asn)

Gene: SETD5 (SET domain containing 5; plus strand). Cytogenetic location: 3p25.3.
Variant type: single nucleotide variant.
Coding change: c.883G>A on transcript NM_001080517.3 (MANE Select); coding-DNA position 883, G replaced by A.
Protein change: p.Asp295Asn; replaces aspartic acid 295 with asparagine.
Molecular consequence: missense variant.
Genome position (GRCh38, 1-based): chr3:9,441,665, G>A. VCF-style: chr3-9441665-G-A. GRCh37 (hg19) VCF-style: chr3-9483349-G-A.
Other names: c.589G>A, p.Asp197Asn (NM_001292043.2, NM_001349451.2); short protein forms D197N, D295N.
Identifiers: ClinVar variation 1878786 (VCV001878786.1), dbSNP rs2472703616, ClinGen allele CA351688508.